The following is an entry in ClinVar:

NM_001382391.1(CSPP1):c.59_60del (p.Lys20fs)

Gene: CSPP1 (centrosome and spindle pole associated protein 1; plus strand). Cytogenetic location: 8q13.1.
Variant type: Deletion.
Coding change: c.59_60del on transcript NM_001382391.1 (MANE Select); coding-DNA positions 59 to 60, 2 bases deleted (AA; older notation c.59_60delAA).
Protein change: p.Lys20fs; shifts the reading frame from lysine 20.
Molecular consequence: frameshift variant.
Genome position (GRCh38, 1-based): chr8:67,074,311-67,074,312, AA deleted; deleting any 2 consecutive bases within chr8:67,074,310-67,074,312 gives the same sequence; the c. name uses the placement nearest the transcript's 3' end. VCF-style (leftmost placement, unchanged base first): chr8-67074309-CAA-C. GRCh37 (hg19) VCF-style: chr8-67986544-CAA-C.
Other names: c.59_60del, p.Lys20fs (NM_001363131.2, NM_001363132.2, NM_001363133.2); c.167_168del, p.Lys56fs (NM_001364869.1, NM_001364870.1); c.167_168delAA, p.Lys56Serfs (NM_024790.7); c.167_168delAA (NM_024790.6); short protein forms K20fs, K56fs.
Identifiers: ClinVar variation 575640 (VCV000575640.17), dbSNP rs766020802, ClinGen allele CA4770110.
Genomic context (GRCh38, chr8:67,074,309, plus strand): 5'-CAAAATGGCTGATAATTTGGATGAATTTATTGAAGAGCAAAAAGCCAGATTGGCCGAAGA[CAA>C]AGCAGAGTTGGAAAGTGATCCACCTTACATGGAAATGAAGGTAAATTTAATAATTTTCTT-3'

ClinVar aggregate classification (germline): Conflicting classifications of pathogenicity. Review status: criteria provided, conflicting classifications (1 of 4 stars). 7 submissions from 7 submitters: Pathogenic (2); Likely pathogenic (4); Uncertain significance (1). Last evaluated 2025-09-22.

Conditions:
CSPP1-related disorder. Also called: CSPP1-related condition.
Joubert syndrome 21 (JBTS21). Identifiers: MedGen C3810212, MONDO:0014288, OMIM 615636.

Submissions (7):

Labcorp Genetics (formerly Invitae), Labcorp
Classification: Pathogenic for Joubert syndrome 21. Last evaluated: 2025-09-22. Review status: criteria provided, single submitter. Criteria: Invitae Variant Classification Sherloc (09022015). Collection method: clinical testing. Allele origin: germline.
Comment: This sequence change creates a premature translational stop signal (p.Lys56Serfs*6) in the CSPP1 gene. It is expected to result in an absent or disrupted protein product. Loss-of-function variants in CSPP1 are known to be pathogenic (PMID: 24360807, 24360808). This variant is present in population databases (rs766020802, gnomAD 0.01%). This variant has not been reported in the literature in individuals affected with CSPP1-related conditions. ClinVar contains an entry for this variant (Variation ID: 575640). For these reasons, this variant has been classified as Pathogenic.

Blueprint Genetics
Classification: Likely pathogenic for CSPP1-related disorders. Last evaluated: 2024-09-16. Review status: criteria provided, single submitter. Criteria: ACMG Guidelines, 2015. Collection method: clinical testing. Allele origin: germline. Affected: yes. Observed: 5 variant alleles.

Women's Health and Genetics/Laboratory Corporation of America, LabCorp
Classification: Pathogenic for Joubert syndrome 21. Last evaluated: 2024-07-30. Review status: criteria provided, single submitter. Criteria: LabCorp Variant Classification Summary - May 2015. Collection method: clinical testing. Allele origin: germline.
Comment: Variant summary: CSPP1 c.167_168delAA (p.Lys56SerfsX6) results in a premature termination codon, predicted to cause a truncation of the encoded protein or absence of the protein due to nonsense mediated decay, which are commonly known mechanisms for disease. The variant allele was found at a frequency of 5.7e-05 in 246910 control chromosomes. This frequency is not significantly higher than estimated for a pathogenic variant in CSPP1 causing Joubert Syndrome 21, allowing no conclusion about variant significance. To our knowledge, no occurrence of c.167_168delAA in individuals affected with Joubert Syndrome 21 and no experimental evidence demonstrating its impact on protein function have been reported. ClinVar contains an entry for this variant (Variation ID: 575640). Based on the evidence outlined above, the variant was classified as pathogenic.

Revvity Omics, Revvity
Classification: Likely pathogenic for Joubert syndrome 21. Last evaluated: 2023-12-08. Review status: criteria provided, single submitter. Criteria: ACMG Guidelines, 2015. Collection method: clinical testing. Allele origin: germline.

GeneDx
Classification: Uncertain significance. Last evaluated: 2023-04-07. Review status: criteria provided, single submitter. Criteria: GeneDx Variant Classification Process June 2021. Collection method: clinical testing. Allele origin: germline. Affected: yes.
Comment: Frameshift variant predicted to result in protein truncation or nonsense mediated decay in a gene for which loss of function is a known mechanism of disease; This variant is associated with the following publications: (PMID: 31964843)

Equipe Genetique des Anomalies du Developpement, Université de Bourgogne
Classification: Likely pathogenic for Joubert syndrome 21. Last evaluated: 2021-09-15. Review status: criteria provided, single submitter. Criteria: ACMG Guidelines, 2015. Collection method: clinical testing. Allele origin: biparental.

Genetic Services Laboratory, University of Chicago
Classification: Likely pathogenic. Last evaluated: 2020-02-17. Review status: criteria provided, single submitter. Criteria: ACMG Guidelines, 2015. Collection method: clinical testing. Allele origin: germline. Affected: yes.
Comment: DNA sequence analysis of the CSPP1 gene demonstrated a 2 base pair deletion in exon 2, c.167_168del. This sequence change results in an amino acid frameshift and creates a premature stop codon 5 amino acids downstream of the change, p.Lys56Serfs*6. This sequence change is predicted to result in an abnormal transcript, which may be degraded, or may lead to the production of a truncated CSPP1 protein with potentially abnormal function. While this deletion has not previously been described in the literature, other loss of function variants in the CSPP1 gene have been described in several patients with CSPP1-related disorders (PMID: 24360807, 24360808). This particular sequence change has been described in the gnomAD database at a population frequency of 0.0057% (rs766020802). These collective evidences indicate that this sequence change is likely pathogenic, however functional studies have not been performed to prove this conclusively.

Literature cited by the submitters: PubMed 24360807 (cited by Labcorp Genetics (formerly Invitae), Labcorp); PubMed 24360808 (cited by Labcorp Genetics (formerly Invitae), Labcorp).